The following is an entry in ClinVar:

ClinVar aggregate classification (germline): Likely benign. Review status: criteria provided, multiple submitters, no conflicts (2 of 4 stars). 2 submissions from 2 submitters: Likely benign (2). Last evaluated 2026-07-01.

Conditions:
KCNQ1-related disorder. Also called: KCNQ1-related disorders; KCNQ1-related condition. Identifiers: MedGen CN239322.

Allele frequency attached by ClinVar (database versions not stated): 1000 Genomes Project 0.00140; 1000 Genomes Project 30x 0.00156; gnomAD 0.00166; TOPMed 0.00184; gnomAD exomes 0.00197.
gnomAD v4.1: 737 of 397,906 alleles (0.19%); highest among the groups gnomAD compares: Admixed American, 0.3%; 2 homozygotes.

Submissions (2):

CeGaT Center for Human Genetics Tuebingen
Classification: Likely benign. Last evaluated: 2026-07-01. Review status: criteria provided, single submitter. Criteria: CeGaT Center For Human Genetics Tuebingen Variant Classification Criteria Version 2. Collection method: clinical testing. Allele origin: germline. Affected: yes. Observed: 14 variant alleles.
Comment: KCNQ1OT1: BS2

PreventionGenetics, part of Exact Sciences
Classification: Likely benign for KCNQ1-related condition. Last evaluated: 2026-03-06. Review status: criteria provided, single submitter. Criteria: ACMG Guidelines, 2015. Collection method: clinical testing. Allele origin: germline.
Comment: This variant is classified as likely benign based on ACMG/AMP sequence variant interpretation guidelines (Richards et al. 2015 PMID: 25741868, with internal and published modifications).

NM_000218.3(KCNQ1):c.1394-19457G>T

Genes: KCNQ1 (potassium voltage-gated channel subfamily Q member 1; plus strand), KCNQ1OT1 (KCNQ1 opposite strand/antisense transcript 1; minus strand). Cytogenetic location: 11p15.5.
Variant type: single nucleotide variant.
Coding change: c.1394-19457G>T on transcript NM_000218.3 (MANE Select); 19457 bases into the intron before coding-DNA position 1394, G replaced by T.
Molecular consequence: intron variant.
Genome position (GRCh38, 1-based): chr11:2,642,504, G>T. VCF-style: chr11-2642504-G-T. GRCh37 (hg19) VCF-style: chr11-2663734-G-T.
Other names: c.1394-19457G>T (NM_000218.2); c.1124-19457G>T (NM_001406837.1); c.1298-19457G>T (NM_001406836.1); c.854-19457G>T (NM_001406838.1); c.1013-19457G>T (NM_181798.2).
Identifiers: ClinVar variation 1711282 (VCV001711282.31), dbSNP rs565842401, ClinGen allele CA216155631.